The following is an entry in ClinVar:

ClinVar aggregate classification (germline): Uncertain significance (1 of 4 stars; one submission).

Submission:

GeneDx
Classification: Uncertain significance. Last evaluated: 2026-02-04. Review status: criteria provided, single submitter. Criteria: GeneDx Variant Classification Process June 2021. Collection method: clinical testing. Allele origin: germline.
Comment: Not observed at significant frequency in large population cohorts (gnomAD); In silico analysis suggests that this missense variant does not alter protein structure/function; Has not been previously published as pathogenic or benign to our knowledge

NM_001370785.2(LRRC7):c.4306G>A (p.Gly1436Arg)

Gene: LRRC7 (leucine rich repeat containing 7; plus strand). Cytogenetic location: 1p31.1.
Variant type: single nucleotide variant.
Coding change: c.4306G>A on transcript NM_001370785.2 (MANE Select); coding-DNA position 4306, G replaced by A.
Protein change: p.Gly1436Arg; replaces glycine 1436 with arginine.
Molecular consequence: missense variant.
Genome position (GRCh38, 1-based): chr1:70,076,152, G>A. VCF-style: chr1-70076152-G-A. GRCh37 (hg19) VCF-style: chr1-70541835-G-A.
Other names: NM_020794.2:c.4192G>A; c.4066G>A, p.Gly1356Arg (NM_001330635.3, NM_001366841.1); c.4168G>A, p.Gly1390Arg (NM_001350216.3); c.4165G>A, p.Gly1389Arg (NM_001366838.3); c.3886G>A, p.Gly1296Arg (NM_001366839.3); short protein forms G1296R, G1356R, G1389R, G1390R, G1436R.
Identifiers: ClinVar variation 4976210 (VCV004976210.1).
Genomic context (GRCh38, chr1:70,076,152, plus strand): 5'-CAGACGTTGATGGGGTCCCAAAGCCTTCAGCATCGCAGCCGGGAGCAGCAGCCGTATGAA[G>A]GAAATATAAACAAAGTGACCATCCAGCAATTTCAGTCACCATTGCCTATTCAGATCCCCT-3'
Protein context (NP_001357714.1, residues 1426-1446): HRSREQQPYE[Gly1436Arg]NINKVTIQQF